The following is an entry in ClinVar:

NM_021096.4(CACNA1I):c.2859T>C (p.Ser953=)

Gene: CACNA1I (calcium voltage-gated channel subunit alpha1 I; plus strand). Cytogenetic location: 22q13.1.
Variant type: single nucleotide variant.
Coding change: c.2859T>C on transcript NM_021096.4 (MANE Select); coding-DNA position 2859, T replaced by C.
Protein change: p.Ser953=; no amino-acid change (serine 953 retained).
Molecular consequence: synonymous variant.
Genome position (GRCh38, 1-based): chr22:39,661,268, T>C. VCF-style: chr22-39661268-T-C. GRCh37 (hg19) VCF-style: chr22-40057273-T-C.
Other names: c.2754T>C, p.Ser918= (NM_001003406.2).
Identifiers: ClinVar variation 3059427 (VCV003059427.2), dbSNP rs136852, ClinGen allele CA10244301.

ClinVar aggregate classification (germline): Benign (0 of 4 stars; one submission).

Conditions:
CACNA1I-related disorder. Also called: CACNA1I-related condition.

Allele frequency attached by ClinVar (database versions not stated): ESP Exome Variant Server 0.60801; ExAC 0.63017; TOPMed 0.65917; 1000 Genomes Project 30x 0.73532; 1000 Genomes Project 0.73682.
gnomAD v4.1: 903,920 of 1,606,036 alleles (56%); highest among the groups gnomAD compares: East Asian, 99%; 264,221 homozygotes.

Submission:

PreventionGenetics, part of Exact Sciences
Classification: Benign for CACNA1I-related condition. Last evaluated: 2019-10-16. Review status: no assertion criteria provided. Collection method: clinical testing. Allele origin: germline.
Comment: This variant is classified as benign based on ACMG/AMP sequence variant interpretation guidelines (Richards et al. 2015 PMID: 25741868, with internal and published modifications).